The following is an entry in ClinVar:

NM_003000.3(SDHB):c.543C>T (p.Asp181=)

Gene: SDHB (succinate dehydrogenase complex iron sulfur subunit B; minus strand). Cytogenetic location: 1p36.13.
Variant type: single nucleotide variant.
Coding change: c.543C>T on transcript NM_003000.3 (MANE Select); coding-DNA position 543, C replaced by T.
Protein change: p.Asp181=; no amino-acid change (aspartic acid 181 retained).
Molecular consequence: synonymous variant.
Genome position (GRCh38, 1-based): chr1:17,024,072, G>A on the plus strand (C>T on the coding strand, the complement: SDHB is on the minus strand). VCF-style: chr1-17024072-G-A. GRCh37 (hg19) VCF-style: chr1-17350567-G-A.
Identifiers: ClinVar variation 417302 (VCV000417302.58), dbSNP rs199809975, ClinGen allele CA089666.

ClinVar aggregate classification (germline): Benign/Likely benign. Review status: criteria provided, multiple submitters, no conflicts (2 of 4 stars). 9 submissions from 9 submitters: Benign (1); Likely benign (8). Last evaluated 2026-01-27.

Conditions:
Mitochondrial complex 2 deficiency, nuclear type 4. Also called: MITOCHONDRIAL COMPLEX II DEFICIENCY, NUCLEAR TYPE 4. Identifiers: MedGen C5543176, MONDO:0030974, OMIM 619224.
Carney-Stratakis syndrome. Also called: PARAGANGLIOMA AND GASTROINTESTINAL STROMAL TUMOR. Identifiers: Orphanet 97286, MedGen C1847319, MONDO:0011740, OMIM 606864.
Pheochromocytoma/paraganglioma syndrome 4. Also called: CAROTID BODY TUMORS AND MULTIPLE EXTRAADRENAL PHEOCHROMOCYTOMAS; PARAGANGLIOMA, FAMILIAL MALIGNANT; PARAGANGLIOMAS, HEREDITARY EXTRAADRENAL; PHEOCHROMOCYTOMA, FAMILIAL EXTRAADRENAL; Paragangliomas 4; SDHB-Related Hereditary Paraganglioma-Pheochromocytoma Syndrome (Paragangliomas 4). Identifiers: Orphanet 29072, MedGen C1861848, MONDO:0007273, OMIM 115310.
Gastrointestinal stromal tumor. Also called: Gastrointestinal stromal tumor, somatic; Gastrointestinal stroma tumor. Identifiers: Orphanet 44890, MedGen C0238198, MeSH D046152, MONDO:0011719, OMIM 606764, HP:0100723.
Pheochromocytoma. Also called: MAX-Related Hereditary Paraganglioma-Pheochromocytoma Syndrome. Identifiers: Orphanet 29072, MedGen C0031511, MONDO:0008233, OMIM 171300, HP:0002666.
Hereditary cancer-predisposing syndrome. Also called: Tumor predisposition; Hereditary neoplastic syndrome; Hereditary Cancer Syndrome; Neoplastic Syndromes, Hereditary. Identifiers: Orphanet 140162, MedGen C0027672, MeSH D009386, MONDO:0015356.
Hereditary pheochromocytoma and paraganglioma. Also called: Hereditary paragangliomas and pheochromocytomas; Hereditary pheochromocytoma-paraganglioma; Hereditary Paraganglioma-Pheochromocytoma Syndromes. Identifiers: Orphanet 29072, MedGen C4274332, MONDO:0017366.

Allele frequency attached by ClinVar (database versions not stated): gnomAD exomes 0.00006 and 0.00012; ESP Exome Variant Server 0.00008; gnomAD 0.00009; TOPMed 0.00009; ExAC 0.00012.
gnomAD v4.1: 103 of 1,609,792 alleles (0.0064%); highest among the groups gnomAD compares: Admixed American, 0.013%; no homozygotes.

Submissions (9):

Labcorp Genetics (formerly Invitae), Labcorp
Classification: Likely benign for Gastrointestinal stromal tumor; Pheochromocytoma/paraganglioma syndrome 4; Pheochromocytoma. Last evaluated: 2026-01-27. Review status: criteria provided, single submitter. Criteria: Invitae Variant Classification Sherloc (09022015). Collection method: clinical testing. Allele origin: germline.

Center for Genomic Medicine, Rigshospitalet, Copenhagen University Hospital
Classification: Likely benign. Last evaluated: 2025-12-29. Review status: criteria provided, single submitter. Criteria: ACMG Guidelines, 2015. Collection method: clinical testing. Allele origin: germline.

Myriad Genetics, Inc.
Classification: Benign for Pheochromocytoma/paraganglioma syndrome 4. Last evaluated: 2025-03-13. Review status: criteria provided, single submitter. Criteria: Myriad Autosomal Dominant, Autosomal Recessive and X-Linked Classification Criteria (2023). Collection method: clinical testing. Allele origin: unknown.
Comment: This variant is considered benign. This variant is a silent/synonymous amino acid change and it is not expected to impact splicing.

CeGaT Center for Human Genetics Tuebingen
Classification: Likely benign. Last evaluated: 2025-01-01. Review status: criteria provided, single submitter. Criteria: CeGaT Center For Human Genetics Tuebingen Variant Classification Criteria Version 2. Collection method: clinical testing. Allele origin: germline. Affected: yes. Observed: 3 variant alleles.
Comment: SDHB: BP4, BP7

Blueprint Genetics
Classification: Likely benign. Last evaluated: 2024-11-08. Review status: criteria provided, single submitter. Criteria: ACMG Guidelines, 2015. Collection method: clinical testing. Allele origin: germline.

Department of Pathology and Laboratory Medicine, Sinai Health System
Classification: Likely benign for Pheochromocytoma/paraganglioma syndrome 4; Gastrointestinal stromal tumor; Carney-Stratakis syndrome; Mitochondrial complex 2 deficiency, nuclear type 4. Last evaluated: 2023-09-18. Review status: criteria provided, single submitter. Criteria: ACMG Guidelines, 2015. Collection method: clinical testing. Allele origin: germline. Affected: yes.

Color Diagnostics, LLC DBA Color Health
Classification: Likely benign for Hereditary pheochromocytoma and paraganglioma. Last evaluated: 2022-10-20. Review status: criteria provided, single submitter. Criteria: ACMG Guidelines, 2015. Collection method: clinical testing. Allele origin: germline.

GeneDx
Classification: Likely benign. Last evaluated: 2018-03-26. Review status: criteria provided, single submitter. Criteria: GeneDx Variant Classification (06012015). Collection method: clinical testing. Allele origin: germline. Affected: yes.
Comment: This variant is considered likely benign or benign based on one or more of the following criteria: it is a conservative change, it occurs at a poorly conserved position in the protein, it is predicted to be benign by multiple in silico algorithms, and/or has population frequency not consistent with disease.

Ambry Genetics
Classification: Likely benign for Hereditary cancer-predisposing syndrome. Last evaluated: 2016-08-01. Review status: criteria provided, single submitter. Criteria: Ambry Variant Classification Scheme 2023. Collection method: clinical testing. Allele origin: germline.